The following is an entry in ClinVar:

NM_147686.4(TRAF3IP2):c.152C>T (p.Thr51Ile)

Genes: TRAF3IP2 (TRAF3 interacting protein 2; minus strand), TRAF3IP2-AS1 (TRAF3IP2 antisense RNA 1; plus strand). Cytogenetic location: 6q21.
Variant type: single nucleotide variant.
Coding change: c.152C>T on transcript NM_147686.4 (MANE Select); coding-DNA position 152, C replaced by T.
Protein change: p.Thr51Ile; replaces threonine 51 with isoleucine.
Molecular consequence: missense variant.
Genome position (GRCh38, 1-based): chr6:111,591,935, G>A on the plus strand (C>T on the coding strand, the complement: TRAF3IP2 is on the minus strand). VCF-style: chr6-111591935-G-A. GRCh37 (hg19) VCF-style: chr6-111913138-G-A.
Other names: c.152C>T, p.Thr51Ile (NM_001164281.3); c.179C>T, p.Thr60Ile (NM_147200.3); short protein forms T60I, T51I.
Identifiers: ClinVar variation 1970694 (VCV001970694.2), dbSNP rs1796538021, ClinGen allele CA365369869.
Genomic context (GRCh38, chr6:111,591,935, plus strand): 5'-TTTGCAAGTTTCAGGGTTGAGTGAGCTTGAGAAAAGTCTCCGGAGGAATTGTGAAGCATT[G>A]TGGGTGCAGACAAGCTGTTGGGTGCCATGTTCCTTATATTTGGAGCAGGTGGTTCTGATT-3'
Protein context (NP_679211.2, residues 41-61): NMAPNSLSAP[Thr51Ile]MLHNSSGDFS

ClinVar aggregate classification (germline): Uncertain significance (1 of 4 stars; one submission).

Conditions:
Candidiasis, familial, 8 (CANDF8). Identifiers: Orphanet 1334, MedGen C3714992, MONDO:0014230, OMIM 615527.

gnomAD v4.1: 9 of 1,614,258 alleles (0.00056%); highest among the groups gnomAD compares: Non-Finnish European, 0.00051%; no homozygotes.

Submission:

Labcorp Genetics (formerly Invitae), Labcorp
Classification: Uncertain significance for Candidiasis, familial, 8. Last evaluated: 2021-12-17. Review status: criteria provided, single submitter. Criteria: Invitae Variant Classification Sherloc (09022015). Collection method: clinical testing. Allele origin: germline.
Comment: This sequence change replaces threonine, which is neutral and polar, with isoleucine, which is neutral and non-polar, at codon 51 of the TRAF3IP2 protein (p.Thr51Ile). This variant is not present in population databases (gnomAD no frequency). This variant has not been reported in the literature in individuals affected with TRAF3IP2-related conditions. Algorithms developed to predict the effect of missense changes on protein structure and function (SIFT, PolyPhen-2, Align-GVGD) all suggest that this variant is likely to be tolerated. In summary, the available evidence is currently insufficient to determine the role of this variant in disease. Therefore, it has been classified as a Variant of Uncertain Significance.